The following is an entry in ClinVar:

NM_000057.4(BLM):c.470T>C (p.Met157Thr)

Gene: BLM (BLM RecQ like helicase; plus strand). Cytogenetic location: 15q26.1.
Variant type: single nucleotide variant.
Coding change: c.470T>C on transcript NM_000057.4 (MANE Select); coding-DNA position 470, T replaced by C.
Protein change: p.Met157Thr; replaces methionine 157 with threonine.
Molecular consequence: missense variant. On other transcripts: 5 prime UTR variant (1).
Genome position (GRCh38, 1-based): chr15:90,749,738, T>C. VCF-style: chr15-90749738-T-C. GRCh37 (hg19) VCF-style: chr15-91292968-T-C.
Other names: c.470T>C (NM_000057.2); c.470T>C, p.Met157Thr (NM_001287246.2, NM_001287247.2); c.-822T>C (NM_001287248.2); short protein forms M157T.
Identifiers: ClinVar variation 653573 (VCV000653573.17), dbSNP rs773103759, ClinGen allele CA7738298.

ClinVar aggregate classification (germline): Uncertain significance. Review status: criteria provided, multiple submitters, no conflicts (2 of 4 stars). 5 submissions from 5 submitters: Uncertain significance (4). 1 of the submissions does not count toward it. Last evaluated 2025-09-20.

Conditions:
Hereditary cancer-predisposing syndrome. Also called: Neoplastic Syndromes, Hereditary; Tumor predisposition; Hereditary Cancer Syndrome; Hereditary neoplastic syndrome. Identifiers: Orphanet 140162, MedGen C0027672, MeSH D009386, MONDO:0015356.
Bloom syndrome (BLM). Also called: Bloom-Torre-Machacek syndrome. Identifiers: Orphanet 125, MedGen C0005859, MONDO:0008876, OMIM 210900.

Allele frequency attached by ClinVar (database versions not stated): gnomAD 0.00001; TOPMed 0.00001; gnomAD exomes 0.00002 and 0.00003; ExAC 0.00003.

Submissions (5):

Labcorp Genetics (formerly Invitae), Labcorp
Classification: Uncertain significance for Bloom syndrome. Last evaluated: 2025-09-20. Review status: criteria provided, single submitter. Criteria: Invitae Variant Classification Sherloc (09022015). Collection method: clinical testing. Allele origin: germline.
Comment: This sequence change replaces methionine, which is neutral and non-polar, with threonine, which is neutral and polar, at codon 157 of the BLM protein (p.Met157Thr). This variant is present in population databases (rs773103759, gnomAD 0.02%). This variant has not been reported in the literature in individuals affected with BLM-related conditions. ClinVar contains an entry for this variant (Variation ID: 653573). An algorithm developed to predict the effect of missense changes on protein structure and function (PolyPhen-2) suggests that this variant is likely to be tolerated. In summary, the available evidence is currently insufficient to determine the role of this variant in disease. Therefore, it has been classified as a Variant of Uncertain Significance.

Quest Diagnostics Nichols Institute San Juan Capistrano
Classification: Uncertain significance. Last evaluated: 2024-07-08. Review status: criteria provided, single submitter. Criteria: Quest Diagnostics criteria. Collection method: clinical testing. Allele origin: unknown.
Comment: The BLM c.470T>C (p.Met157Thr) variant has not been reported in individuals with BLM-related conditions in the published literature. The frequency of this variant in the general population, 0.00023 (8/34560 chromosomes (Genome Aggregation Database)), is uninformative in the assessment of its pathogenicity. Analysis of this variant using bioinformatics tools for the prediction of the effect of amino acid changes on protein structure and function yielded predictions that this variant is benign. Based on the available information, we are unable to determine the clinical significance of this variant.

Ambry Genetics
Classification: Uncertain significance for Hereditary cancer-predisposing syndrome. Last evaluated: 2024-06-16. Review status: criteria provided, single submitter. Criteria: Ambry Variant Classification Scheme 2023. Collection method: clinical testing. Allele origin: germline.

GeneDx
Classification: Uncertain significance. Last evaluated: 2023-07-03. Review status: criteria provided, single submitter. Criteria: GeneDx Variant Classification Process June 2021. Collection method: clinical testing. Allele origin: germline. Affected: yes.
Comment: In silico analysis supports that this missense variant does not alter protein structure/function; Has not been previously published as pathogenic or benign to our knowledge

Natera, Inc.
Classification: Uncertain significance for Bloom syndrome. Last evaluated: 2018-10-23. Review status: no assertion criteria provided. Collection method: clinical testing. Allele origin: germline. Not counted in ClinVar's aggregate classification.